The following is an entry in ClinVar:

NM_002470.4(MYH3):c.3248+4T>C

Gene: MYH3 (myosin heavy chain 3; minus strand). Cytogenetic location: 17p13.1.
Variant type: single nucleotide variant.
Coding change: c.3248+4T>C on transcript NM_002470.4 (MANE Select); 4 bases into the intron after coding-DNA position 3248, T replaced by C.
Molecular consequence: intron variant.
Genome position (GRCh38, 1-based): chr17:10,639,040, A>G on the plus strand (T>C on the coding strand, the complement: MYH3 is on the minus strand). VCF-style: chr17-10639040-A-G. GRCh37 (hg19) VCF-style: chr17-10542357-A-G.
Identifiers: ClinVar variation 1958292 (VCV001958292.6), dbSNP rs768542908, ClinGen allele CA8392583.

ClinVar aggregate classification (germline): Conflicting classifications of pathogenicity. Review status: criteria provided, conflicting classifications (1 of 4 stars). 2 submissions from 2 submitters: Uncertain significance (1); Likely benign (1). Last evaluated 2025-02-16.

Allele frequency attached by ClinVar (database versions not stated): TOPMed below 0.00001; ExAC 0.00001; gnomAD 0.00001; gnomAD exomes 0.00001.
gnomAD v4.1: 20 of 1,614,138 alleles (0.0012%); highest among the groups gnomAD compares: Non-Finnish European, 0.0017%; no homozygotes.

Submissions (2):

Laboratory of Genetics, Children's Clinical University Hospital Latvia
Classification: Likely benign. Last evaluated: 2025-02-16. Review status: criteria provided, single submitter. Criteria: ACMG Guidelines, 2015. Collection method: clinical testing. Allele origin: germline. Affected: yes.

Labcorp Genetics (formerly Invitae), Labcorp
Classification: Uncertain significance. Last evaluated: 2024-11-11. Review status: criteria provided, single submitter. Criteria: Invitae Variant Classification Sherloc (09022015). Collection method: clinical testing. Allele origin: germline.
Comment: This sequence change falls in intron 25 of the MYH3 gene. It does not directly change the encoded amino acid sequence of the MYH3 protein. It affects a nucleotide within the consensus splice site. This variant is present in population databases (rs768542908, gnomAD 0.0009%). This variant has not been reported in the literature in individuals affected with MYH3-related conditions. ClinVar contains an entry for this variant (Variation ID: 1958292). Variants that disrupt the consensus splice site are a relatively common cause of aberrant splicing (PMID: 17576681, 9536098). Algorithms developed to predict the effect of sequence changes on RNA splicing suggest that this variant is not likely to affect RNA splicing. In summary, the available evidence is currently insufficient to determine the role of this variant in disease. Therefore, it has been classified as a Variant of Uncertain Significance.

Literature cited by the submitters: PubMed 17576681 (cited by Labcorp Genetics (formerly Invitae), Labcorp); PubMed 9536098 (cited by Labcorp Genetics (formerly Invitae), Labcorp).